The following is an entry in ClinVar:

ClinVar aggregate classification (germline): Likely benign (1 of 4 stars; one submission).

Submission:

Laboratory for Molecular Medicine, Mass General Brigham Personalized Medicine
Classification: Likely benign. Last evaluated: 2018-04-18. Review status: criteria provided, single submitter. Criteria: LMM Criteria. Collection method: clinical testing. Allele origin: germline. Observed: 6 variant alleles.
Comment: m.958_960dupCCC in MTRNR1: This variant leads to the insertion of three cytosine nucleotides after position 960. Variable numbers of inserted Cs in this region have been putatively implicated in aminoglycoside-induced hearing loss (Casano 1 999, Yoshida 2002, Ronghua 2004). However, subsequent studies have revealed that these variants are present in similar frequencies among HL patients and control s and they are part of a common Asian haplogroup (Yao 2006, Bae 2008, Tanaka 201 0, Shen 2011). Moreover, this region of mitochondrial DNA is not evolutionarily conserved and its function is not well defined (Guan 2011). In summary, there is insufficient data to support a disease-associated role or risk for ototoxicity and the population frequency of the variant suggests that it is most likely beni gn.

NC_012920.1(MT-RNR1):m.958_960dup

Gene: MT-RNR1 (mitochondrially encoded 12S RNA; plus strand).
Variant type: Duplication.
Genome position: chrM-955-A-ACCC.
Identifiers: ClinVar variation 42233 (VCV000042233.4), dbSNP rs111033185, ClinGen allele CA131018.